The following is an entry in ClinVar:

NM_000518.5(HBB):c.-140C>T

Genes: HBB (hemoglobin subunit beta; minus strand), LOC106099062 (HBB recombination region; plus strand), LOC107133510 (origin of replication at HBB; plus strand). Cytogenetic location: 11p15.4.
Variant type: single nucleotide variant.
Coding change: c.-140C>T on transcript NM_000518.5 (MANE Select); 140 bases upstream of the start codon, C replaced by T.
Genome position (GRCh38, 1-based): chr11:5,227,161, G>A on the plus strand (C>T on the coding strand, the complement: HBB is on the minus strand). VCF-style: chr11-5227161-G-A. GRCh37 (hg19) VCF-style: chr11-5248391-G-A.
Other names: -90C>T; -90 (C>T); -90C-T, PROMOTER; c.-140C>T (NM_000518.4).
Identifiers: ClinVar variation 15514 (VCV000015514.126), dbSNP rs34999973, ClinGen allele CA125377.

ClinVar aggregate classification (germline): Pathogenic/Likely pathogenic. Review status: criteria provided, multiple submitters, no conflicts (2 of 4 stars). 15 submissions from 15 submitters: Pathogenic (9); Likely pathogenic (1). 5 of the submissions do not count toward it. Last evaluated 2026-08-08.

Conditions:
Hb SS disease (SCD). Also called: Hemoglobin SS; Sickle cell anemia; Sickle cell disease; HbS disease; Hemoglobin S Disease; Sickling disorder due to hemoglobin S. Identifiers: Orphanet 232, Orphanet 275752, MedGen C0002895, MONDO:0011382, OMIM 603903.
Heinz body anemia. Also called: Heinz body hemolytic anemia. Identifiers: Orphanet 178330, MedGen C0700299, MONDO:0007705, OMIM 140700, HP:0005511.
Dominant beta-thalassemia. Also called: Beta-thalassemia, dominant inclusion body type. Identifiers: Orphanet 231226, Orphanet 848, MedGen C1858990, MONDO:0011381, OMIM 603902.
Beta-thalassemia HBB/LCRB. Identifiers: MedGen CN322236, MONDO:0013517, OMIM 613985.
Erythrocytosis, familial, 6. Also called: POLYCYTHEMIA, BETA-GLOBIN TYPE; ERYTHROCYTOSIS, BETA-GLOBIN TYPE. Identifiers: MedGen C4693822, MONDO:0054801, OMIM 617980.
METHEMOGLOBINEMIA, BETA TYPE. Also called: Methemoglobinemia, beta-globin type. Identifiers: MedGen C1840779, OMIM 617971.
Malaria, susceptibility to. Identifiers: Orphanet 673, MedGen C1970028, MONDO:0021024, OMIM 611162.
Hereditary persistence of fetal hemoglobin. Identifiers: MedGen C0019025, MONDO:0020989, OMIM 141749.
HBB-related disorder. Also called: HBB-related disorders; HBB-related condition. Identifiers: MedGen CN239378.
beta Thalassemia (BTHAL). Also called: Cooley's anemia; Erythroblastic anemia; Mediterranean anemia. Identifiers: Orphanet 848, MedGen C0005283, MONDO:0019402. Disease mechanism: loss of function.
Beta thalassemia intermedia (BTHAL-ITMD). Identifiers: Orphanet 231222, MedGen C0472767, MONDO:0016487.
BETA-PLUS-THALASSEMIA. Identifiers: MedGen C3841475.

Allele frequency attached by ClinVar (database versions not stated): gnomAD exomes 0.00001; TOPMed 0.00002; gnomAD 0.00003 and 0.00004.

Submissions 1 to 8 of 15:

GeneDx
Classification: Pathogenic. Last evaluated: 2026-08-08. Review status: criteria provided, single submitter. Criteria: GeneDx Variant Classification Process June 2021. Collection method: clinical testing. Allele origin: germline.
Comment: Published functional studies demonstrate this variant significantly reduces promoter activity of the HBB protein compared to wild-type (PMID: 8874232, 31395865); In silico analysis is inconclusive as to whether the variant alters gene splicing. In the absence of RNA/functional studies, the actual effect of this sequence change is unknown.; This variant is associated with the following publications: (PMID: 18294253, 14555318, 27615034, 28865746, 31411089, 18076350, 25525159, 1634236, 25370867, 26096776, 12709369, 18339318, 21119755, 20301599, 31395865, 21538688, 28669403, 30277083, 29124982, 30489691, 27263053, 30626236, 30275481, 32885601, 31286593, 36054783, 33092414, 35979587, 38397898, 37529778, 36861132, 34659349, 32414341, 38112059, Bhattacharjee2023[CaseReport], 8874232)

Natera, Inc.
Classification: Pathogenic for Beta thalassemia. Last evaluated: 2025-12-30. Review status: criteria provided, single submitter. Criteria: Natera Variant Classification Schema (03/2026). Collection method: clinical testing. Allele origin: germline.
Comment: The c.-140C>T variant in HBB is a 5' untranslated region (UTR) variant located upstream of the translation start codon. This variant is rare in the general population with a frequency below the threshold expected for the associated phenotype(s). This variant has been observed in one or more individuals affected with the associated recessive disease, as either homozygous or compound heterozygous with a second variant (PMID: 27828729, 25370867, 20472475, 19205970). Functional studies show that this variant may disrupt protein function (PMID: 8874232). Given the available evidence, this variant is classified as Pathogenic.

Labcorp Genetics (formerly Invitae), Labcorp
Classification: Pathogenic. Last evaluated: 2025-11-18. Review status: criteria provided, single submitter. Criteria: Invitae Variant Classification Sherloc (09022015). Collection method: clinical testing. Allele origin: germline.
Comment: This variant occurs in a non-coding region of the HBB gene. It does not change the encoded amino acid sequence of the HBB protein. This variant is present in population databases (rs34999973, gnomAD 0.02%). This variant has been observed in individual(s) with autosomal recessive beta thalassemia (PMID: 25370867, 27828729). In at least one individual the data is consistent with being in trans (on the opposite chromosome) from a pathogenic variant. This variant is also known as -90C>T. ClinVar contains an entry for this variant (Variation ID: 15514). Studies have shown that this variant alters HBB gene expression (PMID: 8874232, 14555318). For these reasons, this variant has been classified as Pathogenic.

ARUP Laboratories, Molecular Genetics and Genomics, ARUP Laboratories
Classification: Pathogenic. Last evaluated: 2025-07-07. Review status: criteria provided, single submitter. Criteria: ARUP Molecular Germline Variant Investigation Process 2024. Collection method: clinical testing. Allele origin: germline.
Comment: The HBB c.-140C>T variant (rs34999973, HbVar ID: 754), also known as -90C>T, is reported in the literature in multiple individuals with hematological profiles consistent with beta-thalassemia minor (Faustino 1992, Jia 2003, Prajantasen 2014, Shaji 2003, Yan 2015) and has been reported in trans to a pathogenic HBB variant in an individual with beta-thalassemia intermedia (Prajantasen 2014). This variant is reported in ClinVar (Variation ID: 15514). It is only found on two alleles in the Genome Aggregation Database, indicating it is not a common polymorphism. This variant occurs in the HBB promoter in a conserved CACCC box necessary for efficient transcription (Myers 1986). In vitro assays show that the variant disrupts binding of an EKLF transcription factor to the CACCC box in the promoter (Faustino 1996) and results in decreased HBB expression (Jia 2003). Based on available information, this variant is considered to be pathogenic. References: Link to HbVar database: Faustino P et al. beta-Thalassemia mutation at -90C-->T impairs the interaction of the proximal CACCC box with both erythroid and nonerythroid factors. Blood. 1996 Oct 15;88(8):3248-9. Faustino P et al. Novel promoter and splice junction defects add to the genetic, clinical or geographic heterogeneity of beta-thalassaemia in the Portuguese population. Hum Genet. 1992 Jul;89(5):573-6. Jia S et al. A rare beta-thalassaemia mutation (C-T) at position -90 of the beta-globin gene discovered in a Chinese family. Haematologica. 2003 Oct;88(10):1191-3. Myers RM et al. Fine structure genetic analysis of a beta-globin promoter. Science. 1986 May 2;232(4750):613-8. Prajantasen T et al. Molecular characterization of a beta-thalassemia intermedia patient presenting inferior vena cava thrombosis: interaction of the beta-globin erythroid Kruppel-like factor binding site mutation with Hb E and alpha(+)-thalassemia. Hemoglobin. 2014;38(6):451-3. Shaji RV et al. Rapid detection of beta-globin gene mutations and polymorphisms by temporal temperature gradient gel electrophoresis. Clin Chem. 2003 May;49(5):777-81. Yan JM et al. Heterozygous beta-thalassemia with complete absence of hemoglobin A2 in a Chinese adult. Int J Lab Hematol. 2015 Dec;37(6):e147-9.

Women's Health and Genetics/Laboratory Corporation of America, LabCorp
Classification: Pathogenic for Beta thalassemia intermedia. Last evaluated: 2025-03-05. Review status: criteria provided, single submitter. Criteria: LabCorp Variant Classification Summary - May 2015. Collection method: clinical testing. Allele origin: germline.
Comment: Variant summary: HBB c.-140C>T is located in the untranscribed region upstream of the HBB gene region. The variant allele was found at a frequency of 5.4e-05 in 18632 control chromosomes. c.-140C>T has been reported in the literature in multiple individuals affected with Beta Thalassemia Intermedia. These data indicate that the variant is very likely to be associated with disease. At least one publication reports experimental evidence evaluating an impact on protein function. The most pronounced variant effect results in 10%-<30% of normal activity. The following publications have been ascertained in the context of this evaluation (PMID: 18294253, 18076350, 14555318, 3457470, 23590658, 19205970, 25370867). ClinVar contains an entry for this variant (Variation ID: 15514). Based on the evidence outlined above, the variant was classified as pathogenic.

Fulgent Genetics
Classification: Likely pathogenic for Heinz body anemia; Hereditary persistence of fetal hemoglobin; Dominant beta-thalassemia; Hb SS disease; Malaria, susceptibility to; Beta-thalassemia HBB/LCRB; METHEMOGLOBINEMIA, BETA TYPE; Erythrocytosis, familial, 6. Last evaluated: 2024-03-20. Review status: criteria provided, single submitter. Criteria: ACMG Guidelines, 2015. Collection method: clinical testing. Allele origin: germline.

Molecular Genetics Laboratory, BC Children's and BC Women's Hospitals
Classification: Pathogenic for beta Thalassemia. Last evaluated: 2024-02-29. Review status: criteria provided, single submitter. Criteria: ACMG Guidelines, 2015. Collection method: clinical testing. Allele origin: germline. Affected: yes.

MGZ Medical Genetics Center
Classification: Pathogenic for Beta-thalassemia HBB/LCRB. Last evaluated: 2022-05-23. Review status: criteria provided, single submitter. Criteria: ACMG Guidelines, 2015. Collection method: clinical testing. Allele origin: germline. Affected: yes. Observed: 1 variant allele.
Comment: ACMG criteria applied: PS3, PS4_MOD, PM3, PM2_SUP, PP4